The following is an entry in ClinVar:

NM_020999.4(NEUROG3):c.451C>G (p.Pro151Ala)

Gene: NEUROG3 (neurogenin 3; minus strand). Cytogenetic location: 10q22.1.
Variant type: single nucleotide variant.
Coding change: c.451C>G on transcript NM_020999.4 (MANE Select); coding-DNA position 451, C replaced by G.
Protein change: p.Pro151Ala; replaces proline 151 with alanine.
Molecular consequence: missense variant.
Genome position (GRCh38, 1-based): chr10:69,572,593, G>C on the plus strand (C>G on the coding strand, the complement: NEUROG3 is on the minus strand). VCF-style: chr10-69572593-G-C. GRCh37 (hg19) VCF-style: chr10-71332349-G-C.
Other names: c.451C>G (NM_020999.3); short protein forms P151A.
Identifiers: ClinVar variation 1946875 (VCV001946875.3), dbSNP rs779055541, ClinGen allele CA5533703.

ClinVar aggregate classification (germline): Uncertain significance. Review status: criteria provided, multiple submitters, no conflicts (2 of 4 stars). 2 submissions from 2 submitters: Uncertain significance (2). Last evaluated 2025-06-24.

Conditions:
Inborn genetic diseases. Identifiers: MedGen C0950123, MeSH D030342.

Allele frequency attached by ClinVar (database versions not stated): ExAC 0.00001; gnomAD 0.00001; TOPMed 0.00001; gnomAD exomes 0.00002.
gnomAD v4.1: 25 of 1,613,736 alleles (0.0015%); highest among the groups gnomAD compares: Non-Finnish European, 0.0019%; no homozygotes.

Submissions (2):

Ambry Genetics
Classification: Uncertain significance for Inborn genetic diseases. Last evaluated: 2025-06-24. Review status: criteria provided, single submitter. Criteria: Ambry Variant Classification Scheme 2023. Collection method: clinical testing. Allele origin: germline.

Labcorp Genetics (formerly Invitae), Labcorp
Classification: Uncertain significance. Last evaluated: 2022-08-22. Review status: criteria provided, single submitter. Criteria: Invitae Variant Classification Sherloc (09022015). Collection method: clinical testing. Allele origin: germline.
Comment: This sequence change replaces proline, which is neutral and non-polar, with alanine, which is neutral and non-polar, at codon 151 of the NEUROG3 protein (p.Pro151Ala). This variant is present in population databases (rs779055541, gnomAD 0.004%). This variant has not been reported in the literature in individuals affected with NEUROG3-related conditions. Algorithms developed to predict the effect of missense changes on protein structure and function output the following: SIFT: "Tolerated"; PolyPhen-2: "Benign"; Align-GVGD: "Class C0". The alanine amino acid residue is found in multiple mammalian species, which suggests that this missense change does not adversely affect protein function. In summary, the available evidence is currently insufficient to determine the role of this variant in disease. Therefore, it has been classified as a Variant of Uncertain Significance.